The following is an entry in ClinVar:

NM_020163.3(SEMA3G):c.90G>A (p.Val30=)

Gene: SEMA3G (semaphorin 3G; minus strand). Cytogenetic location: 3p21.1.
Variant type: single nucleotide variant.
Coding change: c.90G>A on transcript NM_020163.3 (MANE Select); coding-DNA position 90, G replaced by A.
Protein change: p.Val30=; no amino-acid change (valine 30 retained).
Molecular consequence: synonymous variant.
Genome position (GRCh38, 1-based): chr3:52,444,938, C>T on the plus strand (G>A on the coding strand, the complement: SEMA3G is on the minus strand). VCF-style: chr3-52444938-C-T. GRCh37 (hg19) VCF-style: chr3-52478954-C-T.
Identifiers: ClinVar variation 3039539 (VCV003039539.2), dbSNP rs373691162, ClinGen allele CA2438457.

ClinVar aggregate classification (germline): Likely benign (0 of 4 stars; one submission).

Conditions:
SEMA3G-related disorder. Also called: SEMA3G-related condition.

Allele frequency attached by ClinVar (database versions not stated): TOPMed 0.00029; gnomAD 0.00030; ESP Exome Variant Server 0.00052; ExAC 0.00084.
gnomAD v4.1: 291 of 1,303,718 alleles (0.022%); highest among the groups gnomAD compares: Middle Eastern, 0.41%; 1 homozygote.

Submission:

PreventionGenetics, part of Exact Sciences
Classification: Likely benign for SEMA3G-related condition. Last evaluated: 2022-02-09. Review status: no assertion criteria provided. Collection method: clinical testing. Allele origin: germline.
Comment: This variant is classified as likely benign based on ACMG/AMP sequence variant interpretation guidelines (Richards et al. 2015 PMID: 25741868, with internal and published modifications).